The following is an entry in ClinVar:

ClinVar aggregate classification (germline): Pathogenic (1 of 4 stars; one submission).

Conditions:
Birt-Hogg-Dube syndrome 1 (BHD1). Also called: FIBROFOLLICULOMAS WITH TRICHODISCOMAS AND ACROCHORDONS. Identifiers: Orphanet 122, MedGen CN375946, MONDO:0800445, OMIM 135150.

Submission:

Myriad Genetics, Inc.
Classification: Pathogenic for Birt-Hogg-Dube syndrome 1. Last evaluated: 2025-07-02. Review status: criteria provided, single submitter. Criteria: Myriad Autosomal Dominant, Autosomal Recessive and X-Linked Classification Criteria (2023). Collection method: clinical testing. Allele origin: unknown.
Comment: This variant is considered pathogenic. This variant creates a frameshift predicted to result in premature protein truncation.

NM_144997.7(FLCN):c.977del (p.Pro326fs)

Gene: FLCN (folliculin; minus strand). Cytogenetic location: 17p11.2.
Variant type: Deletion.
Coding change: c.977del on transcript NM_144997.7 (MANE Select); coding-DNA position 977, one base deleted (C; older notation c.977delC).
Protein change: p.Pro326fs; shifts the reading frame from proline 326.
Molecular consequence: frameshift variant.
Genome position (GRCh38, 1-based): chr17:17,219,104, G deleted on the plus strand (C on the coding strand, the reverse complement: FLCN is on the minus strand); the first of 3 consecutive G bases (chr17:17,219,104-17,219,106); deleting any one gives the same sequence. VCF-style (leftmost placement, unchanged base first): chr17-17219103-CG-C. GRCh37 (hg19) VCF-style: chr17-17122417-CG-C.
Other names: c.1031del, p.Pro344fs (NM_001353229.2); c.977del, p.Pro326fs (NM_001353230.2, NM_001353231.2); short protein forms P326fs, P344fs.
Identifiers: ClinVar variation 4294224 (VCV004294224.1).
Genomic context (GRCh38, chr17:17,219,103, plus strand): 5'-GAAGACTGGCAGCTTCCGGGGCTGCCAGCTCCCACAGCCTGAGAGAGAGGAGGACTCTGC[CG>C]GGCCCTGGGTCAGCTCCCGCCCTTCTGTACTCTCTGGCAACACAGGGGCTTTCTCCTCCT-3'